The following is an entry in ClinVar:

NM_005560.6(LAMA5):c.1609G>A (p.Gly537Ser)

Gene: LAMA5 (laminin subunit alpha 5; minus strand). Cytogenetic location: 20q13.33.
Variant type: single nucleotide variant.
Coding change: c.1609G>A on transcript NM_005560.6 (MANE Select); coding-DNA position 1609, G replaced by A.
Protein change: p.Gly537Ser; replaces glycine 537 with serine.
Molecular consequence: missense variant.
Genome position (GRCh38, 1-based): chr20:62,338,477, C>T on the plus strand (G>A on the coding strand, the complement: LAMA5 is on the minus strand). VCF-style: chr20-62338477-C-T. GRCh37 (hg19) VCF-style: chr20-60913533-C-T.
Other names: short protein forms G537S.
Identifiers: ClinVar variation 1063215 (VCV001063215.10), dbSNP rs780981307, ClinGen allele CA9943846.
Genomic context (GRCh38, chr20:62,338,477, plus strand): 5'-AGGTGTCCACCTCGAGCGCAGGTAGAGGTTGAGCGGGGAGAGGGGACTCACGCTGGCAGC[C>T]GGGGCCGTAGAACCCTGGCGCGCAGAGCTCACAATGGGTGCCTTGGAAGTTGGGTTTGCA-3'
Protein context (NP_005551.3, residues 527-547): ELCAPGFYGP[Gly537Ser]CQPCQCSSPG

ClinVar aggregate classification (germline): Uncertain significance. Review status: criteria provided, multiple submitters, no conflicts (2 of 4 stars). 2 submissions from 2 submitters: Uncertain significance (2). Last evaluated 2021-01-13.

Allele frequency attached by ClinVar (database versions not stated): gnomAD 0.00001 and 0.00002; ExAC 0.00002; gnomAD exomes 0.00002 and 0.00004; TOPMed 0.00002.
gnomAD v4.1: 26 of 1,608,404 alleles (0.0016%); highest among the groups gnomAD compares: East Asian, 0.0089%; no homozygotes.

Submissions (2):

Labcorp Genetics (formerly Invitae), Labcorp
Classification: Uncertain significance. Last evaluated: 2021-01-13. Review status: criteria provided, single submitter. Criteria: Invitae Variant Classification Sherloc (09022015). Collection method: clinical testing. Allele origin: germline.
Comment: In summary, the available evidence is currently insufficient to determine the role of this variant in disease. Therefore, it has been classified as a Variant of Uncertain Significance. Algorithms developed to predict the effect of sequence changes on RNA splicing suggest that this variant may create or strengthen a splice site, but this prediction has not been confirmed by published transcriptional studies. Algorithms developed to predict the effect of missense changes on protein structure and function output the following: SIFT: "Tolerated"; PolyPhen-2: "Benign"; Align-GVGD: "Class C0". The serine amino acid residue is found in multiple mammalian species, suggesting that this missense change does not adversely affect protein function. These predictions have not been confirmed by published functional studies and their clinical significance is uncertain. This variant has not been reported in the literature in individuals with LAMA5-related conditions. This variant is present in population databases (rs780981307, ExAC 0.004%). This sequence change replaces glycine with serine at codon 537 of the LAMA5 protein (p.Gly537Ser). The glycine residue is weakly conserved and there is a small physicochemical difference between glycine and serine.

Breakthrough Genomics
Classification: Uncertain significance. Review status: criteria provided, single submitter. Criteria: ACMG Guidelines, 2015. Collection method: not provided. Allele origin: germline. Inheritance: Autosomal dominant inheritance. Affected: yes.